The following is an entry in ClinVar:

ClinVar aggregate classification (germline): Uncertain significance (1 of 4 stars; one submission).

Submission:

ARUP Laboratories, Molecular Genetics and Genomics, ARUP Laboratories
Classification: Uncertain significance. Last evaluated: 2023-11-03. Review status: criteria provided, single submitter. Criteria: ARUP Molecular Germline Variant Investigation Process 2024. Collection method: clinical testing. Allele origin: germline.
Comment: The TRPM3 p.Lys512Arg variant, to our knowledge, has not been reported in the medical literature or gene specific databases. Based on the available information, the clinical significance of this variant is uncertain.

NM_001366145.2(TRPM3):c.2030A>G (p.Lys677Arg)

Gene: TRPM3 (transient receptor potential cation channel subfamily M member 3; minus strand). Cytogenetic location: 9q21.12.
Variant type: single nucleotide variant.
Coding change: c.2030A>G on transcript NM_001366145.2 (MANE Select); coding-DNA position 2030, A replaced by G.
Protein change: p.Lys677Arg; replaces lysine 677 with arginine.
Molecular consequence: missense variant.
Genome position (GRCh38, 1-based): chr9:70,620,175, T>C on the plus strand (A>G on the coding strand, the complement: TRPM3 is on the minus strand). VCF-style: chr9-70620175-T-C. GRCh37 (hg19) VCF-style: chr9-73235091-T-C.
Other names: c.1994A>G, p.Lys665Arg (NM_001007471.4, NM_001366151.2); c.2000A>G, p.Lys667Arg (NM_001366141.2, NM_001366143.2, NM_001366149.2); c.2036A>G, p.Lys679Arg (NM_001366142.2); c.2030A>G, p.Lys677Arg (NM_001366146.2); c.2105A>G, p.Lys702Arg (NM_001366147.2, NM_001366152.2); c.2075A>G, p.Lys692Arg (NM_001366148.2); c.1964A>G, p.Lys655Arg (NM_001366150.2); c.1571A>G, p.Lys524Arg (NM_001366154.2, NM_024971.7); and 5 more; short protein forms K502R, K512R, K514R, K524R, K527R, K537R, K655R, K665R.
Identifiers: ClinVar variation 1330999 (VCV001330999.8), dbSNP rs2133197034, ClinGen allele CA373558832.